The following is an entry in ClinVar:

ClinVar aggregate classification (germline): Uncertain significance (1 of 4 stars; one submission).

gnomAD v4.1: 1 of 1,537,140 alleles (0.000065%); highest among the groups gnomAD compares: Non-Finnish European, 0.000087%; no homozygotes.

Submission:

Labcorp Genetics (formerly Invitae), Labcorp
Classification: Uncertain significance. Last evaluated: 2024-04-25. Review status: criteria provided, single submitter. Criteria: Invitae Variant Classification Sherloc (09022015). Collection method: clinical testing. Allele origin: germline.
Comment: This sequence change replaces tyrosine, which is neutral and polar, with phenylalanine, which is neutral and non-polar, at codon 1971 of the PIEZO2 protein (p.Tyr1971Phe). This variant is not present in population databases (gnomAD no frequency). This variant has not been reported in the literature in individuals affected with PIEZO2-related conditions. Advanced modeling of protein sequence and biophysical properties (such as structural, functional, and spatial information, amino acid conservation, physicochemical variation, residue mobility, and thermodynamic stability) has been performed at Invitae for this missense variant, however the output from this modeling did not meet the statistical confidence thresholds required to predict the impact of this variant on PIEZO2 protein function. In summary, the available evidence is currently insufficient to determine the role of this variant in disease. Therefore, it has been classified as a Variant of Uncertain Significance.

NM_001378183.1(PIEZO2):c.6251A>T (p.Tyr2084Phe)

Gene: PIEZO2 (piezo type mechanosensitive ion channel component 2; minus strand). Cytogenetic location: 18p11.22.
Variant type: single nucleotide variant.
Coding change: c.6251A>T on transcript NM_001378183.1 (MANE Select); coding-DNA position 6251, A replaced by T.
Protein change: p.Tyr2084Phe; replaces tyrosine 2084 with phenylalanine.
Molecular consequence: missense variant.
Genome position (GRCh38, 1-based): chr18:10,704,401, T>A on the plus strand (A>T on the coding strand, the complement: PIEZO2 is on the minus strand). VCF-style: chr18-10704401-T-A. GRCh37 (hg19) VCF-style: chr18-10704399-T-A.
Other names: c.5987A>T, p.Tyr1996Phe (NM_001410871.1); c.5912A>T, p.Tyr1971Phe (NM_022068.4); short protein forms Y1971F, Y1996F, Y2084F.
Identifiers: ClinVar variation 3615306 (VCV003615306.2).